The following is an entry in ClinVar:

NM_001364171.2(ODAD1):c.2029_2046dup (p.Gly677_Ser682dup)

Gene: ODAD1 (outer dynein arm docking complex subunit 1; minus strand). Cytogenetic location: 19q13.33.
Variant type: Duplication.
Coding change: c.2029_2046dup on transcript NM_001364171.2 (MANE Select); coding-DNA positions 2029 to 2046, 18 bases duplicated (GGAGGCCTCGGGTCCAGC).
Protein change: p.Gly677_Ser682dup.
Molecular consequence: inframe insertion.
Genome position (GRCh38, 1-based): chr19:48,297,054-48,297,071, GCTGGACCCGAGGCCTCC duplicated on the plus strand (GGAGGCCTCGGGTCCAGC on the coding strand, the reverse complement: ODAD1 is on the minus strand); duplicating any 18 consecutive bases within chr19:48,297,054-48,297,074 gives the same sequence; the c. name uses the placement nearest the transcript's 3' end. VCF-style (leftmost placement, unchanged base first): chr19-48297053-T-TGCTGGACCCGAGGCCTCC. GRCh37 (hg19) VCF-style: chr19-48800310-T-TGCTGGACCCGAGGCCTCC.
Other names: c.1918_1935dup, p.Gly640_Ser645dup (NM_144577.4).
Identifiers: ClinVar variation 1682851 (VCV001682851.6), dbSNP rs772407409, ClinGen allele CA9548491.

ClinVar aggregate classification (germline): Uncertain significance (1 of 4 stars; one submission).

Conditions:
Primary ciliary dyskinesia. Also called: Ciliary dyskinesia. Identifiers: Orphanet 244, MedGen C0008780, MONDO:0016575, HP:0012265.

Submission:

Labcorp Genetics (formerly Invitae), Labcorp
Classification: Uncertain significance for Primary ciliary dyskinesia. Last evaluated: 2022-06-27. Review status: criteria provided, single submitter. Criteria: Invitae Variant Classification Sherloc (09022015). Collection method: clinical testing. Allele origin: germline.
Comment: In summary, the available evidence is currently insufficient to determine the role of this variant in disease. Therefore, it has been classified as a Variant of Uncertain Significance. Experimental studies and prediction algorithms are not available or were not evaluated, and the functional significance of this variant is currently unknown. This variant has not been reported in the literature in individuals affected with CCDC114-related conditions. This variant is present in population databases (rs772407409, gnomAD 0.003%). This variant, c.1918_1935dup, results in the insertion of 6 amino acid(s) of the CCDC114 protein (p.Gly640_Ser645dup), but otherwise preserves the integrity of the reading frame.